The following is an entry in ClinVar:

ClinVar aggregate classification (germline): Benign (1 of 4 stars; one submission).

Conditions:
Autosomal dominant striatal neurodegeneration type 1. Identifiers: Orphanet 228169, MedGen C4310808, MONDO:0012205, OMIM 609161.

Allele frequency attached by ClinVar (database versions not stated): gnomAD exomes 0.00413; gnomAD 0.06109 and 0.06538; 1000 Genomes Project 0.06849; TOPMed 0.07117; 1000 Genomes Project 30x 0.07495.
gnomAD v4.1: 9,311 of 182,122 alleles (5.1%); highest among the groups gnomAD compares: African/African-American, 20%; 880 homozygotes.

Submission:

Illumina Laboratory Services, Illumina
Classification: Benign for Autosomal dominant striatal neurodegeneration type 1. Last evaluated: 2018-01-13. Review status: criteria provided, single submitter. Criteria: ICSL Variant Classification Criteria 13 December 2019. Collection method: clinical testing. Allele origin: germline.
Comment: This variant was observed in the ICSL laboratory as part of a predisposition screen in an ostensibly healthy population. It had not been previously curated by ICSL or reported in the Human Gene Mutation Database (HGMD: prior to June 1st, 2018), and was therefore a candidate for classification through an automated scoring system. Utilizing variant allele frequency, disease prevalence and penetrance estimates, and inheritance mode, an automated score was calculated to assess if this variant is too frequent to cause the disease. Based on the score and internal cut-off values, a variant classified as benign is not then subjected to further curation. The score for this variant resulted in a classification of benign for this disease.

NM_003719.5(PDE8B):c.*456A>G

Gene: PDE8B (phosphodiesterase 8B; plus strand). Cytogenetic location: 5q13.3.
Variant type: single nucleotide variant.
Coding change: c.*456A>G on transcript NM_003719.5 (MANE Select); 456 bases downstream of the stop codon, A replaced by G.
Molecular consequence: 3 prime UTR variant.
Genome position (GRCh38, 1-based): chr5:77,427,010, A>G. VCF-style: chr5-77427010-A-G. GRCh37 (hg19) VCF-style: chr5-76722835-A-G.
Other names: c.*456A>G (NM_001029851.4, NM_001029852.4, NM_001029853.4 and 19 more transcripts); c.*542A>G (NM_001349751.3, NM_001376072.1).
Identifiers: ClinVar variation 354187 (VCV000354187.5), dbSNP rs16874261, ClinGen allele CA10622185.
Genomic context (GRCh38, chr5:77,427,010, plus strand): 5'-AGTCATCATTGCTGTTTAGCTTGACTGTTTTCCTCAAGAACATCGATCTGAAGGATTCAT[A>G]AGGAGCTTATCTGAACAGATTTATCTAAGAAAAAAAAAAAACGACATAAAATAAGTGAAA-3'